The following is an entry in ClinVar:

ClinVar aggregate classification (germline): Uncertain significance (1 of 4 stars; one submission).

Conditions:
Thrombocytopenia, anemia, and myelofibrosis (THAMY). Identifiers: MedGen C4479504, MONDO:0044316, OMIM 617441.

Submission:

3billion
Classification: Uncertain significance for Thrombocytopenia, anemia, and myelofibrosis. Last evaluated: 2022-05-22. Review status: criteria provided, single submitter. Criteria: ACMG Guidelines, 2015. Collection method: clinical testing. Allele origin: germline. Affected: yes. Observed: 1 homozygote.
Comment: The variant is not observed in the gnomAD v2.1.1 dataset. Protein truncation variants are a common disease-causing mechanism. In silico tool predictions suggest damaging effect of the variant on gene or gene product (REVEL: 0.44; 3Cnet: 0.80). Therefore, this variant is classified as uncertain significanceaccording to the recommendation of ACMG/AMP guideline.

NM_138272.3(MPIG6B):c.323G>T (p.Cys108Phe)

Gene: MPIG6B (megakaryocyte and platelet inhibitory receptor G6b; plus strand). Cytogenetic location: 6p21.33.
Variant type: single nucleotide variant.
Coding change: c.323G>T on transcript NM_138272.3 (MANE Select); coding-DNA position 323, G replaced by T.
Protein change: p.Cys108Phe; replaces cysteine 108 with phenylalanine.
Molecular consequence: missense variant.
Genome position (GRCh38, 1-based): chr6:31,723,900, G>T. VCF-style: chr6-31723900-G-T. GRCh37 (hg19) VCF-style: chr6-31691677-G-T.
Other names: c.323G>T, p.Cys108Phe (NM_025260.4, NM_138273.3, NM_138274.3 and 2 more transcripts); short protein forms C108F.
Identifiers: ClinVar variation 1687190 (VCV001687190.1), dbSNP rs2151298946, ClinGen allele CA363371712.